The following is an entry in ClinVar:

ClinVar aggregate classification (germline): Likely benign. Review status: criteria provided, single submitter (1 of 4 stars). 2 submissions from 2 submitters: Likely benign (1). 1 of the submissions does not count toward it. Last evaluated 2025-05-01.

Conditions:
Malignant tumor of breast. Also called: Malignant breast neoplasm; Cancer breast. Identifiers: MedGen C0006142, MONDO:0007254. Disease mechanism: loss of function.
Familial cancer of breast. Also called: Hereditary breast cancer; BREAST CANCER, FAMILIAL; hereditary breast carcinoma. Identifiers: Orphanet 227535, MedGen C0346153, MONDO:0016419, OMIM 114480. Disease mechanism: loss of function.

Allele frequency attached by ClinVar (database versions not stated): TOPMed below 0.00001; ExAC 0.00001; gnomAD 0.00001; gnomAD exomes 0.00001.
gnomAD v4.1: 8 of 1,592,086 alleles (0.0005%); highest among the groups gnomAD compares: South Asian, 0.0011%; no homozygotes.

Submissions (2):

Labcorp Genetics (formerly Invitae), Labcorp
Classification: Likely benign for Familial cancer of breast. Last evaluated: 2025-05-01. Review status: criteria provided, single submitter. Criteria: Invitae Variant Classification Sherloc (09022015). Collection method: clinical testing. Allele origin: germline.

Department of Pathology and Laboratory Medicine, Sinai Health System
Classification: Uncertain significance for Malignant tumor of breast. Review status: no assertion criteria provided. Collection method: clinical testing. Allele origin: unknown. Affected: yes. Study: The Canadian Open Genetics Repository (COGR). Not counted in ClinVar's aggregate classification.
Comment: The CHEK2 r.spl? variant was not identified in the literature nor was it identified in the ClinVar, Cosmic, MutDB, Zhejiang Colon Cancer Database, databases. The variant was identified in dbSNP (ID: rs775593362) as â€šÃ„ÃºNAâ€šÃ„Ã¹. The variant was identified in control databases in 1 of 245728 chromosomes at a frequency of 0.000004 (Genome Aggregation Database Feb 27, 2017). The variant was found in the South Asian population in 1 of 30756 chromosomes (freq: 0.000033), but was not observed in the African, Other, Latino, European (Non-Finnish), Ashkenazi Jewish, East Asian, or European (Finnish) populations. The c.1009-6G>A variant is located in the 3' splice region but does not affect the invariant -1 and -2 positions. However, positions -3 and -5 to -12 are part of the splicing consensus sequence and variants involving these positions sometimes affect splicing. However, in silico or computational prediction software programs (SpliceSiteFinder, MaxEntScan, NNSPLICE, GeneSplicer, HumanSpliceFinder) do not predict a difference in splicing. In summary, based on the above information the clinical significance of this variant cannot be determined with certainty at this time. This variant is classified as a variant of uncertain significance.

NM_007194.4(CHEK2):c.1009-6G>A

Gene: CHEK2 (checkpoint kinase 2; minus strand). Cytogenetic location: 22q12.1.
Variant type: single nucleotide variant.
Coding change: c.1009-6G>A on transcript NM_007194.4 (MANE Select); 6 bases into the intron before coding-DNA position 1009, G replaced by A.
Molecular consequence: intron variant.
Genome position (GRCh38, 1-based): chr22:28,696,993, C>T on the plus strand (G>A on the coding strand, the complement: CHEK2 is on the minus strand). VCF-style: chr22-28696993-C-T. GRCh37 (hg19) VCF-style: chr22-29092981-C-T.
Other names: c.346-6G>A (NM_001437942.1, NM_001257387.3); c.808-6G>A (NM_001349956.3); c.1009-1120G>A (NM_145862.3); c.1102-1120G>A (NM_001438295.1); c.1102-6G>A (NM_001438293.1); c.1138-1120G>A (NM_001438294.1); c.1138-6G>A (NM_001005735.3).
Identifiers: ClinVar variation 759719 (VCV000759719.10), dbSNP rs775593362, ClinGen allele CA10167746.